The following is an entry in ClinVar:

NM_000368.5(TSC1):c.3193A>G (p.Thr1065Ala)

Gene: TSC1 (TSC complex subunit 1; minus strand). Cytogenetic location: 9q34.13.
Variant type: single nucleotide variant.
Coding change: c.3193A>G on transcript NM_000368.5 (MANE Select); coding-DNA position 3193, A replaced by G.
Protein change: p.Thr1065Ala; replaces threonine 1065 with alanine.
Molecular consequence: missense variant. On other transcripts: non-coding transcript variant (5).
Genome position (GRCh38, 1-based): chr9:132,896,537, T>C on the plus strand (A>G on the coding strand, the complement: TSC1 is on the minus strand). VCF-style: chr9-132896537-T-C. GRCh37 (hg19) VCF-style: chr9-135771924-T-C.
Other names: c.2830A>G, p.Thr944Ala (NM_001406619.1, NM_001406614.1, NM_001406615.1 and 4 more transcripts); c.2827A>G, p.Thr943Ala (NM_001406620.1, NM_001406621.1, NM_001406622.1 and 1 more transcripts); c.2785A>G, p.Thr929Ala (NM_001406625.1); c.2788A>G, p.Thr930Ala (NM_001406624.1); c.2242A>G, p.Thr748Ala (NM_001406626.1); c.3178A>G, p.Thr1060Ala (NM_001406601.1, NM_001406602.1); c.3175A>G, p.Thr1059Ala (NM_001406603.1, NM_001406604.1); c.3151A>G, p.Thr1051Ala (NM_001406605.1, NM_001406606.1, NM_001406607.1); and 8 more; short protein forms T1013A, T1014A, T1050A, T1051A, T1059A, T1060A, T1064A, T1065A.
Identifiers: ClinVar variation 3073555 (VCV003073555.1), dbSNP rs2131602510, ClinGen allele CA375367067.

ClinVar aggregate classification (germline): Uncertain significance (1 of 4 stars; one submission).

Conditions:
Tuberous sclerosis syndrome (TSC). Also called: Tuberous Sclerosis Complex; Tuberous sclerosis. Identifiers: Orphanet 805, MedGen C0041341, MONDO:0001734.

Submission:

All of Us Research Program, National Institutes of Health
Classification: Uncertain significance for Tuberous sclerosis syndrome. Last evaluated: 2023-10-02. Review status: criteria provided, single submitter. Criteria: ACMG Guidelines, 2015. Collection method: clinical testing. Allele origin: germline. Inheritance: Autosomal dominant inheritance. Observed: 1 variant allele, 1 heterozygote.
Comment: This missense variant replaces threonine with alanine at codon 1065 of the TSC1 protein. Computational prediction suggests that this variant may not impact protein structure and function (internally defined REVEL score threshold <= 0.5, PMID: 27666373). To our knowledge, functional studies have not been reported for this variant. This variant has not been reported in individuals affected with TSC1-related disorders in the literature. This variant has not been identified in the general population by the Genome Aggregation Database (gnomAD). The available evidence is insufficient to determine the role of this variant in disease conclusively. Therefore, this variant is classified as a Variant of Uncertain Significance.

This study involves interpretation of variants in research participants for the purpose of population health screening. Participant phenotype was not available at the time of variant classification. Additional details can be found in publication PMID: 35346344, PMCID: PMC8962531